The following is an entry in ClinVar:

NM_001129.5(AEBP1):c.335G>A (p.Gly112Glu)

Gene: AEBP1 (AE binding protein 1; plus strand). Cytogenetic location: 7p13.
Variant type: single nucleotide variant.
Coding change: c.335G>A on transcript NM_001129.5 (MANE Select); coding-DNA position 335, G replaced by A.
Protein change: p.Gly112Glu; replaces glycine 112 with glutamic acid.
Molecular consequence: missense variant.
Genome position (GRCh38, 1-based): chr7:44,106,627, G>A. VCF-style: chr7-44106627-G-A. GRCh37 (hg19) VCF-style: chr7-44146226-G-A.
Other names: short protein forms G112E.
Identifiers: ClinVar variation 4740605 (VCV004740605.1).

ClinVar aggregate classification (germline): Uncertain significance (1 of 4 stars; one submission).

Submission:

Labcorp Genetics (formerly Invitae), Labcorp
Classification: Uncertain significance. Last evaluated: 2025-06-07. Review status: criteria provided, single submitter. Criteria: Invitae Variant Classification Sherloc (09022015). Collection method: clinical testing. Allele origin: germline.
Comment: This sequence change replaces glycine, which is neutral and non-polar, with glutamic acid, which is acidic and polar, at codon 112 of the AEBP1 protein (p.Gly112Glu). This variant is present in population databases (rs375250739, gnomAD 0.01%). This variant has not been reported in the literature in individuals affected with AEBP1-related conditions. An algorithm developed to predict the effect of missense changes on protein structure and function outputs the following: PolyPhen-2: "Not Available". The glutamic acid amino acid residue is found in multiple mammalian species, which suggests that this missense change does not adversely affect protein function. In summary, the available evidence is currently insufficient to determine the role of this variant in disease. Therefore, it has been classified as a Variant of Uncertain Significance.